The following is an entry in ClinVar:

NM_153766.3(KCNJ1):c.884A>G (p.Tyr295Cys)

Gene: KCNJ1 (potassium inwardly rectifying channel subfamily J member 1; minus strand). Cytogenetic location: 11q24.3.
Variant type: single nucleotide variant.
Coding change: c.884A>G on transcript NM_153766.3 (MANE Select); coding-DNA position 884, A replaced by G.
Protein change: p.Tyr295Cys; replaces tyrosine 295 with cysteine.
Molecular consequence: missense variant.
Genome position (GRCh38, 1-based): chr11:128,839,360, T>C on the plus strand (A>G on the coding strand, the complement: KCNJ1 is on the minus strand). VCF-style: chr11-128839360-T-C. GRCh37 (hg19) VCF-style: chr11-128709255-T-C.
Other names: c.941A>G, p.Tyr314Cys (NM_000220.6); c.884A>G, p.Tyr295Cys (NM_153764.3, NM_153767.4); c.935A>G, p.Tyr312Cys (NM_153765.3); short protein forms Y312C, Y314C, Y295C.
Identifiers: ClinVar variation 2735785 (VCV002735785.3), dbSNP rs757644888, ClinGen allele CA6357431.
Genomic context (GRCh38, chr11:128,839,360, plus strand): 5'-TCCTTTGTCTTGGATACTATGGGAGCAAAACGGTAGCCCCAAAGCACCTCCTCTGGGACA[T>C]AGGATGTCCGGACTTGGCAGGTAGCACTGGTGGACTCCACTGTGCCATCTAAAAACACCA-3'
Protein context (NP_722450.1, residues 285-305): TSATCQVRTS[Tyr295Cys]VPEEVLWGYR

ClinVar aggregate classification (germline): Likely pathogenic (1 of 4 stars; one submission).

Allele frequency attached by ClinVar (database versions not stated): TOPMed below 0.00001; ExAC 0.00001; gnomAD 0.00001.
gnomAD v4.1: 5 of 1,613,974 alleles (0.00031%); highest among the groups gnomAD compares: Non-Finnish European, 0.00034%; no homozygotes.

Submission:

Labcorp Genetics (formerly Invitae), Labcorp
Classification: Likely pathogenic. Last evaluated: 2024-03-20. Review status: criteria provided, single submitter. Criteria: Invitae Variant Classification Sherloc (09022015). Collection method: clinical testing. Allele origin: germline.
Comment: This sequence change replaces tyrosine, which is neutral and polar, with cysteine, which is neutral and slightly polar, at codon 314 of the KCNJ1 protein (p.Tyr314Cys). This variant is present in population databases (rs757644888, gnomAD 0.0009%). This missense change has been observed in individuals with Bartter syndrome and/or hypertension and hypokalemia (PMID: 2911542, 29953267, 34345425). An algorithm developed to predict the effect of missense changes on protein structure and function (PolyPhen-2) suggests that this variant is likely to be disruptive. Experimental studies have shown that this missense change affects KCNJ1 function (PMID: 12911542, 19221509, 28630040). In summary, the currently available evidence indicates that the variant is pathogenic, but additional data are needed to prove that conclusively. Therefore, this variant has been classified as Likely Pathogenic.

Literature cited by the submitters: PubMed 2911542; PubMed 29953267; PubMed 34345425; PubMed 12911542; PubMed 19221509; PubMed 28630040.